The following is an entry in ClinVar:

ClinVar aggregate classification (germline): Uncertain significance (1 of 4 stars; one submission).

Submission:

Labcorp Genetics (formerly Invitae), Labcorp
Classification: Uncertain significance. Last evaluated: 2024-09-03. Review status: criteria provided, single submitter. Criteria: Invitae Variant Classification Sherloc (09022015). Collection method: clinical testing. Allele origin: germline.
Comment: This sequence change replaces arginine, which is basic and polar, with proline, which is neutral and non-polar, at codon 981 of the USH2A protein (p.Arg981Pro). This variant is not present in population databases (gnomAD no frequency). This variant has not been reported in the literature in individuals affected with USH2A-related conditions. Invitae Evidence Modeling of protein sequence and biophysical properties (such as structural, functional, and spatial information, amino acid conservation, physicochemical variation, residue mobility, and thermodynamic stability) indicates that this missense variant is not expected to disrupt USH2A protein function with a negative predictive value of 95%. In summary, the available evidence is currently insufficient to determine the role of this variant in disease. Therefore, it has been classified as a Variant of Uncertain Significance.

NM_206933.4(USH2A):c.2942G>C (p.Arg981Pro)

Genes: USH2A-AS1 (USH2A antisense RNA 1; plus strand), USH2A (usherin; minus strand). Cytogenetic location: 1q41.
Variant type: single nucleotide variant.
Coding change: c.2942G>C on transcript NM_206933.4 (MANE Select); coding-DNA position 2942, G replaced by C.
Protein change: p.Arg981Pro; replaces arginine 981 with proline.
Molecular consequence: missense variant.
Genome position (GRCh38, 1-based): chr1:216,232,004, C>G on the plus strand (G>C on the coding strand, the complement: USH2A is on the minus strand). VCF-style: chr1-216232004-C-G. GRCh37 (hg19) VCF-style: chr1-216405346-C-G.
Other names: c.2942G>C, p.Arg981Pro (NM_007123.6); short protein forms R981P.
Identifiers: ClinVar variation 3707186 (VCV003707186.2).
Genomic context (GRCh38, chr1:216,232,004, plus strand): 5'-AAGATGTACCTTCCAGTCTGAGGATCAAATCCAAAGTAATGGTCTTTGCATTGGTCACAA[C>G]GTTGCCCAGCAATGGAAGCATCTTGGCAAACACACTGACCAGTCAGGCTATTACAGATGT-3'
Protein context (NP_996816.3, residues 971-991): VCQDASIAGQ[Arg981Pro]CDQCKDHYFG